The following is an entry in ClinVar:

NM_003722.5(TP63):c.728G>A (p.Arg243Gln)

Gene: TP63 (tumor protein p63; plus strand). Cytogenetic location: 3q28.
Variant type: single nucleotide variant.
Coding change: c.728G>A on transcript NM_003722.5 (MANE Select); coding-DNA position 728, G replaced by A.
Protein change: p.Arg243Gln; replaces arginine 243 with glutamine.
Molecular consequence: missense variant.
Genome position (GRCh38, 1-based): chr3:189,864,380, G>A. VCF-style: chr3-189864380-G-A. GRCh37 (hg19) VCF-style: chr3-189582169-G-A.
Other names: R204Q; c.728G>A, p.Arg243Gln (NM_001114978.2, NM_001114979.2, NM_001329144.2 and 1 more transcripts); c.446G>A, p.Arg149Gln (NM_001114980.2, NM_001114981.2, NM_001114982.2 and 2 more transcripts); c.191G>A, p.Arg64Gln (NM_001329146.2, NM_001329150.2); c.722G>A, p.Arg241Gln (NM_001329964.2); short protein forms R243Q, R149Q, R241Q, R64Q.
Identifiers: ClinVar variation 6528 (VCV000006528.13), dbSNP rs121908836, ClinGen allele CA118335.

ClinVar aggregate classification (germline): Pathogenic/Likely pathogenic. Review status: criteria provided, multiple submitters, no conflicts (2 of 4 stars). 7 submissions from 7 submitters: Pathogenic (5); Likely pathogenic (1). 1 of the submissions does not count toward it. Last evaluated 2025-12-11.

Conditions:
TP63-related disorder. Also called: TP63-related condition; TP63-Related Disorders. Identifiers: MedGen CN380159.
Multiple congenital anomalies/dysmorphic syndrome-intellectual disability. Identifiers: Orphanet 102283, MedGen C5680372, MONDO:0015159.
TP63-Related Spectrum Disorders.
Ectrodactyly, ectodermal dysplasia, and cleft lip-palate syndrome 3. Also called: EEC SYNDROME 3; Ectrodactyly, Ectodermal Dysplasia, Cleft Lip/Palate Syndrome 3 (EEC3); Ectrodactyly, Ectodermal Dysplasia, Clefting Syndrome Type 3 (EEC3); Ectrodactyly, Ectodermal Dysplasia, Clefting Syndrome. Identifiers: Orphanet 1896, MedGen C1858562, MONDO:0011428, OMIM 604292.
Split hand-foot malformation 4. Also called: Split-Hand/Foot Malformation Type 4 (SHFM4); Split-Hand/Foot Malformation Type 4 (SHFM4 syndrome). Identifiers: Orphanet 2440, MedGen C1854442, MONDO:0011535, OMIM 605289.

Allele frequency attached by ClinVar (database versions not stated): gnomAD exomes below 0.00001; gnomAD 0.00001; TOPMed 0.00001.
gnomAD v4.1: 4 of 1,613,792 alleles (0.00025%); highest among the groups gnomAD compares: Non-Finnish European, 0.00034%; no homozygotes.

Submissions (7):

Medical and Scientific Branch, Hong Kong Genome Institute
Classification: Likely pathogenic for Ectrodactyly, ectodermal dysplasia, and cleft lip-palate syndrome 3. Last evaluated: 2025-12-11. Review status: criteria provided, single submitter. Criteria: ACMG Guidelines, 2015. Collection method: clinical testing. Allele origin: germline. Affected: yes.

Labcorp Genetics (formerly Invitae), Labcorp
Classification: Pathogenic. Last evaluated: 2024-11-11. Review status: criteria provided, single submitter. Criteria: Invitae Variant Classification Sherloc (09022015). Collection method: clinical testing. Allele origin: germline.
Comment: This sequence change replaces arginine, which is basic and polar, with glutamine, which is neutral and polar, at codon 243 of the TP63 protein (p.Arg243Gln). This variant is not present in population databases (gnomAD no frequency). This missense change has been observed in individual(s) with autosomal dominant split-hand-split-foot malformation or SHFM and ectrodactyly-ectodermal dysplasia-cleft (EEC) syndrome (PMID: 10535733, 28293528, 29620206). In at least one individual the variant was observed to be de novo. It has also been observed to segregate with disease in related individuals. This variant is also known as p.Arg204Gln. ClinVar contains an entry for this variant (Variation ID: 6528). Invitae Evidence Modeling incorporating data from in vitro experimental studies (internal data) indicates that this missense variant is expected to disrupt TP63 function with a positive predictive value of 95%. This variant disrupts the p.Arg243 amino acid residue in TP63. Other variant(s) that disrupt this residue have been determined to be pathogenic (PMID: 10535733, 12525544, 18626511, 18792980, 20543567, 21078104, 21652629, 23355676, 23463580). This suggests that this residue is clinically significant, and that variants that disrupt this residue are likely to be disease-causing. For these reasons, this variant has been classified as Pathogenic.

3billion
Classification: Pathogenic for Split hand-foot malformation 4. Last evaluated: 2022-05-22. Review status: criteria provided, single submitter. Criteria: ACMG Guidelines, 2015. Collection method: clinical testing. Allele origin: germline. Affected: yes. Observed: 1 heterozygote.
Comment: The variant is not observed in the gnomAD v2.1.1 dataset. Missense changes are a common disease-causing mechanism. In silico tool predictions suggest damaging effect of the variant on gene or gene product (REVEL: 0.93; 3Cnet: 0.97). Same nucleotide change resulting in same amino acid change has been previously reported as pathogenic/likely pathogenic with strong evidence (ClinVar ID: VCV000006528). A different missense change at the same codon (p.Arg243Trp) has been reported as pathogenic/likely pathogenic with strong evidence (ClinVar ID: VCV000006527). Therefore, this variant is classified as pathogenic according to the recommendation of ACMG/AMP guideline.

GeneDx
Classification: Pathogenic. Last evaluated: 2021-12-27. Review status: criteria provided, single submitter. Criteria: GeneDx Variant Classification Process June 2021. Collection method: clinical testing. Allele origin: germline. Affected: yes.
Comment: Not observed at significant frequency in large population cohorts (Lek et al., 2016); In silico analysis supports that this missense variant has a deleterious effect on protein structure/function; This variant is associated with the following publications: (PMID: 31050217, 10535733, 28293528, 12939657, 29620206, 26075610, 17224651, 21652629, 33471964, 34401172, 34906519)

Blueprint Genetics
Classification: Pathogenic for TP63-related disorders. Last evaluated: 2021-12-10. Review status: criteria provided, single submitter. Criteria: ACMG Guidelines, 2015. Collection method: clinical testing. Allele origin: germline. Affected: yes. Observed: 2 variant alleles.

AURAGEN, Plan France Médecine Génomique
Classification: Pathogenic for Multiple congenital anomalies/dysmorphic syndrome-intellectual disability. Last evaluated: 2021-01-19. Review status: criteria provided, single submitter. Criteria: PFMG2025 (Lancet Reg Health Eur. 2025). Collection method: clinical testing. Allele origin: germline. Affected: yes.

OMIM
Classification: Pathogenic for ECTRODACTYLY, ECTODERMAL DYSPLASIA, AND CLEFT LIP/PALATE SYNDROME 3. Last evaluated: 1999-10-15. Review status: no assertion criteria provided. Collection method: literature only. Allele origin: germline. Not counted in ClinVar's aggregate classification.

Literature cited by the submitters: PubMed 10535733 (cited by Labcorp Genetics (formerly Invitae), Labcorp and OMIM); PubMed 28293528 (cited by Labcorp Genetics (formerly Invitae), Labcorp); PubMed 29620206 (cited by Labcorp Genetics (formerly Invitae), Labcorp); PubMed 12525544 (cited by Labcorp Genetics (formerly Invitae), Labcorp); PubMed 18626511 (cited by Labcorp Genetics (formerly Invitae), Labcorp); PubMed 18792980 (cited by Labcorp Genetics (formerly Invitae), Labcorp); PubMed 20543567 (cited by Labcorp Genetics (formerly Invitae), Labcorp); PubMed 21078104 (cited by Labcorp Genetics (formerly Invitae), Labcorp); PubMed 21652629 (cited by Labcorp Genetics (formerly Invitae), Labcorp); PubMed 23355676 (cited by Labcorp Genetics (formerly Invitae), Labcorp); PubMed 23463580 (cited by Labcorp Genetics (formerly Invitae), Labcorp).